The following is an entry in ClinVar:

NM_000517.6(HBA2):c.383A>C (p.Lys128Thr)

Genes: HBA2 (hemoglobin subunit alpha 2; plus strand), LOC106804612 (hemoglobin subunit alpha 2 recombination region; plus strand). Cytogenetic location: 16p13.3.
Variant type: single nucleotide variant.
Coding change: c.383A>C on transcript NM_000517.6 (MANE Select); coding-DNA position 383, A replaced by C.
Protein change: p.Lys128Thr; replaces lysine 128 with threonine.
Molecular consequence: missense variant.
Genome position (GRCh38, 1-based): chr16:173,554, A>C. VCF-style: chr16-173554-A-C. GRCh37 (hg19) VCF-style: chr16-223553-A-C.
Other names: short protein forms K128T.
Identifiers: ClinVar variation 1331059 (VCV001331059.8), dbSNP rs35431217, ClinGen allele CA276415461.

ClinVar aggregate classification (germline): Likely benign (1 of 4 stars; one submission).

Submission:

ARUP Laboratories, Molecular Genetics and Genomics, ARUP Laboratories
Classification: Likely benign. Last evaluated: 2024-06-14. Review status: criteria provided, single submitter. Criteria: ARUP Molecular Germline Variant Investigation Process 2024. Collection method: clinical testing. Allele origin: germline.
Comment: The Hb St. Claude variant (HBA2: c.383A>C; p.Lys128Thr, also known as Lys127Thr when numbered from the mature protein, rs35431217, ClinVar Variation ID: 1331059, HbVar ID: 193) is reported in the literature in multiple asymptomatic individuals in the heterozygous state (see HbVar and references therein). However, the phenotype of this variant in the presence of other alpha globin variants is unknown. This variant is absent from the Genome Aggregation Database (v2.1.1), indicating it is not a common polymorphism. Computational analyses predict that this variant is deleterious (REVEL: 0.898). Based on available information, this variant is considered to be likely benign. References: Link to HbVar database